The following is an entry in ClinVar:

NM_177438.3(DICER1):c.1292A>G (p.Glu431Gly)

Gene: DICER1 (dicer 1, ribonuclease III; minus strand). Cytogenetic location: 14q32.13.
Variant type: single nucleotide variant.
Coding change: c.1292A>G on transcript NM_177438.3 (MANE Select); coding-DNA position 1292, A replaced by G.
Protein change: p.Glu431Gly; replaces glutamic acid 431 with glycine.
Molecular consequence: missense variant.
Genome position (GRCh38, 1-based): chr14:95,124,280, T>C on the plus strand (A>G on the coding strand, the complement: DICER1 is on the minus strand). VCF-style: chr14-95124280-T-C. GRCh37 (hg19) VCF-style: chr14-95590617-T-C.
Other names: c.1292A>G, p.Glu431Gly (NM_001195573.1, NM_001271282.3, NM_001291628.2 and 1 more transcripts); short protein forms E431G.
Identifiers: ClinVar variation 1472427 (VCV001472427.9), dbSNP rs2140201797, ClinGen allele CA390886305.

ClinVar aggregate classification (germline): Uncertain significance (1 of 4 stars; one submission).

Conditions:
DICER1-related tumor predisposition. Also called: DICER1-related pleuropulmonary blastoma cancer predisposition syndrome; DICER1 syndrome. Identifiers: Orphanet 284343, MedGen C3839822, MONDO:0100216.

Submission:

Labcorp Genetics (formerly Invitae), Labcorp
Classification: Uncertain significance for DICER1-related tumor predisposition. Last evaluated: 2021-01-08. Review status: criteria provided, single submitter. Criteria: Invitae Variant Classification Sherloc (09022015). Collection method: clinical testing. Allele origin: germline.
Comment: In summary, the available evidence is currently insufficient to determine the role of this variant in disease. Therefore, it has been classified as a Variant of Uncertain Significance. Algorithms developed to predict the effect of missense changes on protein structure and function (SIFT, PolyPhen-2, Align-GVGD) all suggest that this variant is likely to be tolerated, but these predictions have not been confirmed by published functional studies and their clinical significance is uncertain. This variant has not been reported in the literature in individuals with DICER1-related conditions. This variant is not present in population databases (ExAC no frequency). This sequence change replaces glutamic acid with glycine at codon 431 of the DICER1 protein (p.Glu431Gly). The glutamic acid residue is highly conserved and there is a moderate physicochemical difference between glutamic acid and glycine.